The following is an entry in ClinVar:

NM_020987.5(ANK3):c.3303C>T (p.Thr1101=)

Gene: ANK3 (ankyrin 3; minus strand). Cytogenetic location: 10q21.2.
Variant type: single nucleotide variant.
Coding change: c.3303C>T on transcript NM_020987.5 (MANE Select); coding-DNA position 3303, C replaced by T.
Protein change: p.Thr1101=; no amino-acid change (threonine 1101 retained).
Molecular consequence: synonymous variant.
Genome position (GRCh38, 1-based): chr10:60,105,930, G>A on the plus strand (C>T on the coding strand, the complement: ANK3 is on the minus strand). VCF-style: chr10-60105930-G-A. GRCh37 (hg19) VCF-style: chr10-61865688-G-A.
Other names: c.705C>T, p.Thr235= (NM_001149.4); c.3285C>T, p.Thr1095= (NM_001204403.2); c.3306C>T, p.Thr1102= (NM_001204404.2); c.3303C>T, p.Thr1101= (NM_001320874.2).
Identifiers: ClinVar variation 2072943 (VCV002072943.18), dbSNP rs202156231, ClinGen allele CA5512516.

ClinVar aggregate classification (germline): Likely benign. Review status: criteria provided, multiple submitters, no conflicts (2 of 4 stars). 2 submissions from 2 submitters: Likely benign (2). Last evaluated 2025-02-06.

Allele frequency attached by ClinVar (database versions not stated): gnomAD 0.00015; ExAC 0.00032; 1000 Genomes Project 30x 0.00047; 1000 Genomes Project 0.00060.
gnomAD v4.1: 353 of 1,610,870 alleles (0.022%); highest among the groups gnomAD compares: South Asian, 0.23%; 2 homozygotes.

Submissions (2):

Labcorp Genetics (formerly Invitae), Labcorp
Classification: Likely benign. Last evaluated: 2025-02-06. Review status: criteria provided, single submitter. Criteria: Invitae Variant Classification Sherloc (09022015). Collection method: clinical testing. Allele origin: germline.

CeGaT Center for Human Genetics Tuebingen
Classification: Likely benign. Last evaluated: 2024-10-01. Review status: criteria provided, single submitter. Criteria: CeGaT Center For Human Genetics Tuebingen Variant Classification Criteria Version 2. Collection method: clinical testing. Allele origin: germline. Affected: yes. Observed: 1 variant allele.
Comment: ANK3: BP4, BP7